The following is an entry in ClinVar:

ClinVar aggregate classification (germline): Uncertain significance (1 of 4 stars; one submission).

Conditions:
Hereditary breast ovarian cancer syndrome. Also called: Hereditary breast and ovarian cancer syndrome; Hereditary breast and/or ovarian cancer syndrome; BRCA1- and BRCA2-Associated Hereditary Breast and Ovarian Cancer; Hereditary breast and ovarian cancer; Breast and ovarian cancer; Hereditary breast and ovarian cancer syndrome (HBOC). Identifiers: Orphanet 145, MedGen C0677776, MeSH D061325, MONDO:0003582. Disease mechanism: loss of function.

Submission:

Labcorp Genetics (formerly Invitae), Labcorp
Classification: Uncertain significance for Hereditary breast ovarian cancer syndrome. Last evaluated: 2024-05-02. Review status: criteria provided, single submitter. Criteria: Invitae Variant Classification Sherloc (09022015). Collection method: clinical testing. Allele origin: germline.
Comment: This sequence change replaces leucine, which is neutral and non-polar, with valine, which is neutral and non-polar, at codon 3279 of the BRCA2 protein (p.Leu3279Val). This variant is not present in population databases (gnomAD no frequency). This variant has not been reported in the literature in individuals affected with BRCA2-related conditions. Advanced modeling of protein sequence and biophysical properties (such as structural, functional, and spatial information, amino acid conservation, physicochemical variation, residue mobility, and thermodynamic stability) performed at Invitae indicates that this missense variant is not expected to disrupt BRCA2 protein function with a negative predictive value of 95%. In summary, the available evidence is currently insufficient to determine the role of this variant in disease. Therefore, it has been classified as a Variant of Uncertain Significance.

NM_000059.4(BRCA2):c.9835T>G (p.Leu3279Val)

Gene: BRCA2 (BRCA2 DNA repair associated; plus strand). Cytogenetic location: 13q13.1.
Variant type: single nucleotide variant.
Coding change: c.9835T>G on transcript NM_000059.4 (MANE Select); coding-DNA position 9835, T replaced by G.
Protein change: p.Leu3279Val; replaces leucine 3279 with valine.
Molecular consequence: missense variant. On other transcripts: non-coding transcript variant (1).
Genome position (GRCh38, 1-based): chr13:32,398,348, T>G. VCF-style: chr13-32398348-T-G. GRCh37 (hg19) VCF-style: chr13-32972485-T-G.
Other names: c.9739T>G, p.Leu3247Val (NM_001406719.1); c.9784T>G, p.Leu3262Val (NM_001406720.1); c.4903T>G, p.Leu1635Val (NM_001406721.1); c.3418T>G, p.Leu1140Val (NM_001406722.1); c.9835T>G, p.Leu3279Val (NM_001432077.1); short protein forms L3247V, L1635V, L3262V, L3279V, L1140V.
Identifiers: ClinVar variation 3707487 (VCV003707487.2).